The following is an entry in ClinVar:

NM_001288705.3(CSF1R):c.1594C>T (p.Leu532=)

Gene: CSF1R (colony stimulating factor 1 receptor; minus strand). Cytogenetic location: 5q32.
Variant type: single nucleotide variant.
Coding change: c.1594C>T on transcript NM_001288705.3 (MANE Select); coding-DNA position 1594, C replaced by T.
Protein change: p.Leu532=; no amino-acid change (leucine 532 retained).
Molecular consequence: synonymous variant. On other transcripts: non-coding transcript variant (2).
Genome position (GRCh38, 1-based): chr5:150,068,247, G>A on the plus strand (C>T on the coding strand, the complement: CSF1R is on the minus strand). VCF-style: chr5-150068247-G-A. GRCh37 (hg19) VCF-style: chr5-149447810-G-A.
Other names: c.1594C>T, p.Leu532= (NM_001349736.2, NM_001375320.1, NM_005211.4); c.1150C>T, p.Leu384= (NM_001375321.1).
Identifiers: ClinVar variation 2178453 (VCV002178453.20), dbSNP rs1222867637, ClinGen allele CA447142786.

ClinVar aggregate classification (germline): Likely benign. Review status: criteria provided, multiple submitters, no conflicts (2 of 4 stars). 2 submissions from 2 submitters: Likely benign (2). Last evaluated 2025-02-09.

Allele frequency attached by ClinVar (database versions not stated): TOPMed 0.00001; gnomAD exomes 0.00002.
gnomAD v4.1: 22 of 1,612,404 alleles (0.0014%); highest among the groups gnomAD compares: Non-Finnish European, 0.0017%; no homozygotes.

Submissions (2):

Labcorp Genetics (formerly Invitae), Labcorp
Classification: Likely benign. Last evaluated: 2025-02-09. Review status: criteria provided, single submitter. Criteria: Invitae Variant Classification Sherloc (09022015). Collection method: clinical testing. Allele origin: germline.

CeGaT Center for Human Genetics Tuebingen
Classification: Likely benign. Last evaluated: 2024-08-01. Review status: criteria provided, single submitter. Criteria: CeGaT Center For Human Genetics Tuebingen Variant Classification Criteria Version 2. Collection method: clinical testing. Allele origin: germline. Affected: yes. Observed: 1 variant allele.
Comment: CSF1R: BP4, BP7